The following is an entry in ClinVar:

NM_018297.4(NGLY1):c.1771C>T (p.Gln591Ter)

Gene: NGLY1 (N-glycanase 1; minus strand). Cytogenetic location: 3p24.2.
Variant type: single nucleotide variant.
Coding change: c.1771C>T on transcript NM_018297.4 (MANE Select); coding-DNA position 1771, C replaced by T.
Protein change: p.Gln591Ter; replaces glutamine 591 with a stop codon.
Molecular consequence: nonsense. On other transcripts: intron variant (1).
Genome position (GRCh38, 1-based): chr3:25,720,032, G>A on the plus strand (C>T on the coding strand, the complement: NGLY1 is on the minus strand). VCF-style: chr3-25720032-G-A. GRCh37 (hg19) VCF-style: chr3-25761523-G-A.
Other names: c.1717C>T, p.Gln573Ter (NM_001145293.2); c.1645C>T, p.Gln549Ter (NM_001145294.2); c.1612-397C>T (NM_001145295.2); short protein forms Q549*, Q573*, Q591*.
Identifiers: ClinVar variation 1070987 (VCV001070987.5), dbSNP rs765145201, ClinGen allele CA351893868.
Genomic context (GRCh38, chr3:25,720,032, plus strand): 5'-TAAATATATATTTCGTGATTAATTCTCCAGGCAAATGCTTACCGCCTGTCAGTTCTACTT[G>A]TGCTGTATCAGATCGCAATTTCCATTCTACTGTTCCAGTCTGAAAAGTTTGACTACTTGT-3'

ClinVar aggregate classification (germline): Pathogenic (1 of 4 stars; one submission).

Conditions:
Congenital disorder of deglycosylation (CDDG). Identifiers: MedGen C3808991, MONDO:0031376.

Submission:

Labcorp Genetics (formerly Invitae), Labcorp
Classification: Pathogenic for Congenital disorder of deglycosylation. Last evaluated: 2023-12-28. Review status: criteria provided, single submitter. Criteria: Invitae Variant Classification Sherloc (09022015). Collection method: clinical testing. Allele origin: germline.
Comment: This sequence change creates a premature translational stop signal (p.Gln591*) in the NGLY1 gene. While this is not anticipated to result in nonsense mediated decay, it is expected to disrupt the last 64 amino acid(s) of the NGLY1 protein. This variant is not present in population databases (gnomAD no frequency). This variant has not been reported in the literature in individuals affected with NGLY1-related conditions. ClinVar contains an entry for this variant (Variation ID: 1070987). Algorithms developed to predict the effect of sequence changes on RNA splicing suggest that this variant may disrupt the consensus splice site. This variant disrupts a region of the NGLY1 protein in which other variant(s) (p.Gln631Serfs*7) have been determined to be pathogenic (PMID: 22581936, 24651605, 25900930). This suggests that this is a clinically significant region of the protein, and that variants that disrupt it are likely to be disease-causing. For these reasons, this variant has been classified as Pathogenic.

Literature cited by the submitters: PubMed 22581936; PubMed 24651605; PubMed 25900930.